The following is an entry in ClinVar:

ClinVar aggregate classification (germline): Conflicting classifications of pathogenicity. Review status: criteria provided, conflicting classifications (1 of 4 stars). 3 submissions from 3 submitters: Uncertain significance (1); Likely benign (2). Last evaluated 2025-11-03.

Conditions:
HARS2-related disorder. Also called: HARS2-related condition.

Allele frequency attached by ClinVar (database versions not stated): gnomAD exomes 0.00019; ExAC 0.00021; ESP Exome Variant Server 0.00077; gnomAD 0.00079 and 0.00083; 1000 Genomes Project 0.00080; TOPMed 0.00088; 1000 Genomes Project 30x 0.00094.
gnomAD v4.1: 249 of 1,613,850 alleles (0.015%); highest among the groups gnomAD compares: African/African-American, 0.29%; 1 homozygote.

Submissions (3):

GeneDx
Classification: Uncertain significance. Last evaluated: 2025-11-03. Review status: criteria provided, single submitter. Criteria: GeneDx Variant Classification Process June 2021. Collection method: clinical testing. Allele origin: germline. Affected: yes.
Comment: In silico analysis supports that this missense variant has a deleterious effect on protein structure/function; Has not been previously published as pathogenic or benign to our knowledge

Labcorp Genetics (formerly Invitae), Labcorp
Classification: Likely benign. Last evaluated: 2025-10-26. Review status: criteria provided, single submitter. Criteria: Invitae Variant Classification Sherloc (09022015). Collection method: clinical testing. Allele origin: germline.

PreventionGenetics, part of Exact Sciences
Classification: Likely benign for HARS2-related condition. Last evaluated: 2024-10-30. Review status: criteria provided, single submitter. Criteria: ACMG Guidelines, 2015. Collection method: clinical testing. Allele origin: germline.
Comment: This variant is classified as likely benign based on ACMG/AMP sequence variant interpretation guidelines (Richards et al. 2015 PMID: 25741868, with internal and published modifications).

NM_012208.4(HARS2):c.784C>G (p.Pro262Ala)

Gene: HARS2 (histidyl-tRNA synthetase 2, mitochondrial; plus strand). Cytogenetic location: 5q31.3.
Variant type: single nucleotide variant.
Coding change: c.784C>G on transcript NM_012208.4 (MANE Select); coding-DNA position 784, C replaced by G.
Protein change: p.Pro262Ala; replaces proline 262 with alanine.
Molecular consequence: missense variant.
Genome position (GRCh38, 1-based): chr5:140,696,572, C>G. VCF-style: chr5-140696572-C-G. GRCh37 (hg19) VCF-style: chr5-140076157-C-G.
Other names: c.709C>G, p.Pro237Ala (NM_001278731.2); c.352C>G, p.Pro118Ala (NM_001278732.2); c.802C>G, p.Pro268Ala (NM_001363535.2); c.574C>G, p.Pro192Ala (NM_001363536.2); c.784C>G (NM_012208.3); short protein forms P118A, P192A, P237A, P262A, P268A.
Identifiers: ClinVar variation 1662342 (VCV001662342.15), dbSNP rs145104612, ClinGen allele CA3444532.
Genomic context (GRCh38, chr5:140,696,572, plus strand): 5'-TTTATGCAGATGGCTTGGAAAGATGTGAGACATGAGATGGTGGTGAAGAAAGGCCTGGCT[C>G]CTGAGGTGGCTGATCGAATTGGGGACTATGTCCAGTGTCATGGTAAGAACCAGGGTTTTC-3'
Protein context (NP_036340.1, residues 252-272): HEMVVKKGLA[Pro262Ala]EVADRIGDYV